The following is an entry in ClinVar:

NM_000038.6(APC):c.2246T>C (p.Leu749Ser)

Gene: APC (APC regulator of Wnt signaling pathway; plus strand). Cytogenetic location: 5q22.2.
Variant type: single nucleotide variant.
Coding change: c.2246T>C on transcript NM_000038.6 (MANE Select); coding-DNA position 2246, T replaced by C.
Protein change: p.Leu749Ser; replaces leucine 749 with serine.
Molecular consequence: missense variant.
Genome position (GRCh38, 1-based): chr5:112,837,840, T>C. VCF-style: chr5-112837840-T-C. GRCh37 (hg19) VCF-style: chr5-112173537-T-C.
Other names: c.2246T>C, p.Leu749Ser (NM_001127510.3, NM_001354895.2, NM_001407450.1); c.2192T>C, p.Leu731Ser (NM_001127511.3); c.2300T>C, p.Leu767Ser (NM_001354896.2, NM_001407447.1, NM_001407448.1 and 1 more transcripts); c.2276T>C, p.Leu759Ser (NM_001354897.2); c.2171T>C, p.Leu724Ser (NM_001354898.2); c.2162T>C, p.Leu721Ser (NM_001354899.2); c.2123T>C, p.Leu708Ser (NM_001354900.2); c.2069T>C, p.Leu690Ser (NM_001354901.2, NM_001407453.1); and 12 more; short protein forms L589S, L648S, L658S, L742S, L759S, L767S, L365S, L466S.
Identifiers: ClinVar variation 2104450 (VCV002104450.5), dbSNP rs2149864346, ClinGen allele CA16026253.
Genomic context (GRCh38, chr5:112,837,840, plus strand): 5'-TCATGGCAAATAGGCCTGCGAAGTACAAGGATGCCAATATTATGTCTCCTGGCTCAAGCT[T>C]GCCATCTCTTCATGTTAGGAAACAAAAAGCCCTAGAAGCAGAATTAGATGCTCAGCACTT-3'
Protein context (NP_000029.2, residues 739-759): DANIMSPGSS[Leu749Ser]PSLHVRKQKA

ClinVar aggregate classification (germline): Uncertain significance. Review status: criteria provided, multiple submitters, no conflicts (2 of 4 stars). 2 submissions from 2 submitters: Uncertain significance (2). Last evaluated 2026-03-04.

Conditions:
Hereditary cancer-predisposing syndrome. Also called: Neoplastic Syndromes, Hereditary; Tumor predisposition; Hereditary Cancer Syndrome; Hereditary neoplastic syndrome. Identifiers: Orphanet 140162, MedGen C0027672, MeSH D009386, MONDO:0015356.
Familial adenomatous polyposis 1 (FAP1). Also called: FAMILIAL ADENOMATOUS POLYPOSIS 1, ATTENUATED; POLYPOSIS, ADENOMATOUS INTESTINAL. Identifiers: MedGen C2713442, MONDO:0021056, OMIM 175100. Disease mechanism: loss of function.

Allele frequency attached by ClinVar (database versions not stated): gnomAD exomes below 0.00001.
gnomAD v4.1: 1 of 1,614,036 alleles (0.000062%); highest among the groups gnomAD compares: East Asian, 0.0022%; no homozygotes.

Submissions (2):

Ambry Genetics
Classification: Uncertain significance for Hereditary cancer-predisposing syndrome. Last evaluated: 2026-03-04. Review status: criteria provided, single submitter. Criteria: Ambry Variant Classification Scheme 2023. Collection method: clinical testing. Allele origin: germline.
Comment: The p.L749S variant (also known as c.2246T>C), located in coding exon 15 of the APC gene, results from a T to C substitution at nucleotide position 2246. The leucine at codon 749 is replaced by serine, an amino acid with dissimilar properties. This amino acid position is conserved. In addition, in silico predictors for this gene do not accurately predict pathogenicity. Based on the available evidence, the clinical significance of this variant remains unclear.

Labcorp Genetics (formerly Invitae), Labcorp
Classification: Uncertain significance for Familial adenomatous polyposis 1. Last evaluated: 2022-03-08. Review status: criteria provided, single submitter. Criteria: Invitae Variant Classification Sherloc (09022015). Collection method: clinical testing. Allele origin: germline.
Comment: In summary, the available evidence is currently insufficient to determine the role of this variant in disease. Therefore, it has been classified as a Variant of Uncertain Significance. Algorithms developed to predict the effect of missense changes on protein structure and function are either unavailable or do not agree on the potential impact of this missense change (SIFT: "Deleterious"; PolyPhen-2: "Benign"; Align-GVGD: "Class C0"). This variant has not been reported in the literature in individuals affected with APC-related conditions. This variant is not present in population databases (gnomAD no frequency). This sequence change replaces leucine, which is neutral and non-polar, with serine, which is neutral and polar, at codon 749 of the APC protein (p.Leu749Ser).